The following is an entry in ClinVar:

NM_006949.4(STXBP2):c.1430C>T (p.Pro477Leu)

Gene: STXBP2 (syntaxin binding protein 2; plus strand). Cytogenetic location: 19p13.2.
Variant type: single nucleotide variant.
Coding change: c.1430C>T on transcript NM_006949.4 (MANE Select); coding-DNA position 1430, C replaced by T.
Protein change: p.Pro477Leu; replaces proline 477 with leucine.
Molecular consequence: missense variant. On other transcripts: non-coding transcript variant (1).
Genome position (GRCh38, 1-based): chr19:7,646,322, C>T. VCF-style: chr19-7646322-C-T. GRCh37 (hg19) VCF-style: chr19-7711208-C-T.
Other names: c.1421C>T, p.Pro474Leu (NM_001127396.3); c.1463C>T, p.Pro488Leu (NM_001272034.2); short protein forms P477L, P488L, P474L.
Identifiers: ClinVar variation 7858 (VCV000007858.25), dbSNP rs121918540, ClinGen allele CA254261.

ClinVar aggregate classification (germline): Pathogenic. Review status: criteria provided, multiple submitters, no conflicts (2 of 4 stars). 8 submissions from 8 submitters: Pathogenic (5). 3 of the submissions do not count toward it. Last evaluated 2025-11-18.

Conditions:
STXBP2-related disorder. Also called: STXBP2-related condition.
Familial hemophagocytic lymphohistiocytosis (FHL). Also called: Hereditary hemophagocytic lymphohistiocytosis; Familial erythrophagocytic lymphohistiocytosis; Familial histiocytic reticulosis. Identifiers: Orphanet 158038, Orphanet 540, MedGen C0272199, MONDO:0015541.
Familial hemophagocytic lymphohistiocytosis 5. Also called: STXBP2-Related Familial Hemophagocytic Lymphohistiocytosis (STXBP2-fHLH). Identifiers: Orphanet 540, MedGen C2751293, MONDO:0013135, OMIM 613101.

Allele frequency attached by ClinVar (database versions not stated): gnomAD 0.00001; TOPMed 0.00001; gnomAD exomes below 0.00001.
gnomAD v4.1: 8 of 1,610,080 alleles (0.0005%); highest among the groups gnomAD compares: East Asian, 0.0067%; no homozygotes.

Submissions (8):

Labcorp Genetics (formerly Invitae), Labcorp
Classification: Pathogenic for Familial hemophagocytic lymphohistiocytosis 5. Last evaluated: 2025-11-18. Review status: criteria provided, single submitter. Criteria: Invitae Variant Classification Sherloc (09022015). Collection method: clinical testing. Allele origin: germline.
Comment: This sequence change replaces proline, which is neutral and non-polar, with leucine, which is neutral and non-polar, at codon 477 of the STXBP2 protein (p.Pro477Leu). The frequency data for this variant in the population databases is considered unreliable, as metrics indicate poor data quality at this position in the gnomAD database. This missense change has been observed in individuals with hemophagocytic lymphohistiocytosis (PMID: 19804848, 19884660). It has also been observed to segregate with disease in related individuals. ClinVar contains an entry for this variant (Variation ID: 7858). Invitae Evidence Modeling of protein sequence and biophysical properties (such as structural, functional, and spatial information, amino acid conservation, physicochemical variation, residue mobility, and thermodynamic stability) indicates that this missense variant is expected to disrupt STXBP2 protein function with a positive predictive value of 95%. Experimental studies have shown that this missense change affects STXBP2 function (PMID: 19804848, 19884660). For these reasons, this variant has been classified as Pathogenic.

Women's Health and Genetics/Laboratory Corporation of America, LabCorp
Classification: Pathogenic for Familial hemophagocytic lymphohistiocytosis. Last evaluated: 2025-06-12. Review status: criteria provided, single submitter. Criteria: LabCorp Variant Classification Summary - May 2015. Collection method: clinical testing. Allele origin: germline.
Comment: Variant summary: STXBP2 c.1430C>T (p.Pro477Leu) results in a non-conservative amino acid change in the encoded protein sequence. Algorithms developed to predict the effect of missense changes on protein structure and function all suggest that this variant is likely to be disruptive. The variant allele was found at a frequency of 4.2e-06 in 238486 control chromosomes (gnomAD). c.1430C>T has been observed in multiple individuals affected with Familial Hemophagocytic Lymphohistiocytosis (e.g. zur Stadt_2009, Cote_2009). These data indicate that the variant is very likely to be associated with disease. Publications also reported experimental evidence evaluating an impact on protein function and demonstrated that the variant resulted in a complete loss of the ability to interact with STX11 in vitro, which leads to a decreased stability of both proteins, as was shown in patient derived lymphocytes (e.g. zur Stadt_2009, Cote_2009). The following publications have been ascertained in the context of this evaluation (PMID: 19804848, 19884660). ClinVar contains an entry for this variant (Variation ID: 7858). Based on the evidence outlined above, the variant was classified as pathogenic.

Baylor Genetics
Classification: Pathogenic for Familial hemophagocytic lymphohistiocytosis 5. Last evaluated: 2023-12-27. Review status: criteria provided, single submitter. Criteria: ACMG Guidelines, 2015. Collection method: clinical testing. Allele origin: unknown.

Genomic Medicine Center of Excellence, King Faisal Specialist Hospital and Research Centre
Classification: Pathogenic for Familial hemophagocytic lymphohistiocytosis 5. Last evaluated: 2023-05-08. Review status: criteria provided, single submitter. Criteria: ACMG Guidelines, 2015. Collection method: research. Allele origin: germline. Affected: yes.

Revvity Omics, Revvity
Classification: Pathogenic for Familial hemophagocytic lymphohistiocytosis 5. Last evaluated: 2020-04-21. Review status: criteria provided, single submitter. Criteria: ACMG Guidelines, 2015. Collection method: clinical testing. Allele origin: germline.

PreventionGenetics, part of Exact Sciences
Classification: Pathogenic for STXBP2-related condition. Last evaluated: 2023-11-30. Review status: no assertion criteria provided. Collection method: clinical testing. Allele origin: germline. Not counted in ClinVar's aggregate classification.
Comment: The STXBP2 c.1430C>T variant is predicted to result in the amino acid substitution p.Pro477Leu. This variant has been reported to be pathogenic in several patients with familial hemophagocytic lymphohistiocytosis (FHL) and may be associated with early onset, severe forms of FHL (zur Stadt et al. 2009. PubMedID: 19804848; Cote et al. 2009, PubMedID: 19884660; Cetica et al. 2010. PubMedID: 20798128). This variant is reported in 0.0052% of alleles in individuals of East Asian descent in gnomAD. This variant is interpreted as pathogenic.

Biochemical Molecular Genetic Laboratory, King Abdulaziz Medical City
Classification: Pathogenic for Familial hemophagocytic lymphohistiocytosis 5. Last evaluated: 2019-09-15. Review status: no assertion criteria provided. Collection method: clinical testing. Allele origin: germline. Affected: yes. Not counted in ClinVar's aggregate classification.

OMIM
Classification: Pathogenic for HEMOPHAGOCYTIC LYMPHOHISTIOCYTOSIS, FAMILIAL, 5, WITH OR WITHOUT MICROVILLUS INCLUSION DISEASE. Last evaluated: 2010-09-01. Review status: no assertion criteria provided. Collection method: literature only. Allele origin: germline. Not counted in ClinVar's aggregate classification.

Literature cited by the submitters: PubMed 19804848 (cited by 3 submitters); PubMed 19884660 (cited by 3 submitters); PubMed 20798128 (cited by OMIM); PubMed 22451424 (cited by OMIM).